The following is an entry in ClinVar:

ClinVar aggregate classification (germline): Uncertain significance (1 of 4 stars; one submission).

Conditions:
Cardiovascular phenotype. Identifiers: MedGen CN230736.
Hereditary cancer-predisposing syndrome. Also called: Tumor predisposition; Neoplastic Syndromes, Hereditary; Hereditary neoplastic syndrome; Hereditary Cancer Syndrome. Identifiers: Orphanet 140162, MedGen C0027672, MeSH D009386, MONDO:0015356.

Submission:

Ambry Genetics
Classification: Uncertain significance for Cardiovascular phenotype; Hereditary cancer-predisposing syndrome. Last evaluated: 2025-06-26. Review status: criteria provided, single submitter. Criteria: Ambry Variant Classification Scheme 2023. Collection method: clinical testing. Allele origin: germline.
Comment: The p.Y401N variant (also known as c.1201T>A), located in coding exon 11 of the LZTR1 gene, results from a T to A substitution at nucleotide position 1201. The tyrosine at codon 401 is replaced by asparagine, an amino acid with dissimilar properties. This amino acid position is conserved. In addition, this alteration is predicted to be deleterious by in silico analysis. Based on the available evidence, the clinical significance of this variant remains unclear.

NM_006767.4(LZTR1):c.1201T>A (p.Tyr401Asn)

Gene: LZTR1 (leucine zipper like post translational regulator 1; plus strand). Cytogenetic location: 22q11.21.
Variant type: single nucleotide variant.
Coding change: c.1201T>A on transcript NM_006767.4 (MANE Select); coding-DNA position 1201, T replaced by A.
Protein change: p.Tyr401Asn; replaces tyrosine 401 with asparagine.
Molecular consequence: missense variant.
Genome position (GRCh38, 1-based): chr22:20,992,845, T>A. VCF-style: chr22-20992845-T-A. GRCh37 (hg19) VCF-style: chr22-21347134-T-A.
Other names: short protein forms Y401N.
Identifiers: ClinVar variation 4101872 (VCV004101872.1).